The following is an entry in ClinVar:

NM_001673.5(ASNS):c.64A>G (p.Met22Val)

Genes: ASNS (asparagine synthetase (glutamine-hydrolyzing); minus strand), CZ1P-ASNS (CZ1P-ASNS readthrough; minus strand). Cytogenetic location: 7q21.3.
Variant type: single nucleotide variant.
Coding change: c.64A>G on transcript NM_001673.5 (MANE Select); coding-DNA position 64, A replaced by G.
Protein change: p.Met22Val; replaces methionine 22 with valine.
Molecular consequence: missense variant. On other transcripts: non-coding transcript variant (1), initiator codon variant (1), intron variant (2).
Genome position (GRCh38, 1-based): chr7:97,869,093, T>C on the plus strand (A>G on the coding strand, the complement: ASNS is on the minus strand). VCF-style: chr7-97869093-T-C. GRCh37 (hg19) VCF-style: chr7-97498405-T-C.
Other names: c.1A>G, p.Met1Val (NM_001178075.2); c.64A>G, p.Met22Val (NM_001352496.2, NM_133436.3, NM_183356.4); c.-1+3258A>G (NM_001178076.2); c.-1+2948A>G (NM_001178077.1); short protein forms M22V, M1V.
Identifiers: ClinVar variation 2147263 (VCV002147263.3), dbSNP rs536609342, ClinGen allele CA4354848.

ClinVar aggregate classification (germline): Uncertain significance (1 of 4 stars; one submission).

Allele frequency attached by ClinVar (database versions not stated): gnomAD 0.00001; gnomAD exomes 0.00001; ExAC 0.00006; 1000 Genomes Project 30x 0.00016; 1000 Genomes Project 0.00020.
gnomAD v4.1: 22 of 1,614,236 alleles (0.0014%); highest among the groups gnomAD compares: South Asian, 0.02%; 1 homozygote.

Submission:

Labcorp Genetics (formerly Invitae), Labcorp
Classification: Uncertain significance. Last evaluated: 2024-02-23. Review status: criteria provided, single submitter. Criteria: Invitae Variant Classification Sherloc (09022015). Collection method: clinical testing. Allele origin: germline.
Comment: This sequence change replaces methionine, which is neutral and non-polar, with valine, which is neutral and non-polar, at codon 22 of the ASNS protein (p.Met22Val). The frequency data for this variant in the population databases is considered unreliable, as metrics indicate poor data quality at this position in the gnomAD database. This variant has not been reported in the literature in individuals affected with ASNS-related conditions. ClinVar contains an entry for this variant (Variation ID: 2147263). Advanced modeling of protein sequence and biophysical properties (such as structural, functional, and spatial information, amino acid conservation, physicochemical variation, residue mobility, and thermodynamic stability) performed at Invitae indicates that this missense variant is not expected to disrupt ASNS protein function with a negative predictive value of 80%. In summary, the available evidence is currently insufficient to determine the role of this variant in disease. Therefore, it has been classified as a Variant of Uncertain Significance.